The following is an entry in ClinVar:

ClinVar aggregate classification (germline): Pathogenic/Likely pathogenic. Review status: criteria provided, multiple submitters, no conflicts (2 of 4 stars). 4 submissions from 4 submitters: Pathogenic (2); Likely pathogenic (2). Last evaluated 2025-07-27.

Conditions:
Multiple endocrine neoplasia, type 1 (MEN1). Also called: MEN I; WERMER SYNDROME; MEA I; Endocrine adenomatosis multiple; MEN 1. Identifiers: Orphanet 652, MedGen C0025267, MeSH D018761, MONDO:0007540, OMIM 131100.
Hereditary cancer-predisposing syndrome. Also called: Tumor predisposition; Hereditary Cancer Syndrome; Neoplastic Syndromes, Hereditary; Hereditary neoplastic syndrome. Identifiers: Orphanet 140162, MedGen C0027672, MeSH D009386, MONDO:0015356.

Allele frequency attached by ClinVar (database versions not stated): gnomAD exomes below 0.00001.
gnomAD v4.1: 3 of 1,614,144 alleles (0.00019%); highest among the groups gnomAD compares: Non-Finnish European, 0.00025%; no homozygotes.

Submissions (4):

Labcorp Genetics (formerly Invitae), Labcorp
Classification: Pathogenic for Multiple endocrine neoplasia, type 1. Last evaluated: 2025-07-27. Review status: criteria provided, single submitter. Criteria: Invitae Variant Classification Sherloc (09022015). Collection method: clinical testing. Allele origin: germline.
Comment: This sequence change replaces histidine, which is basic and polar, with arginine, which is basic and polar, at codon 181 of the MEN1 protein (p.His181Arg). This variant is not present in population databases (gnomAD no frequency). This missense change has been observed in individuals with clinical features of multiple endocrine neoplasia type 1 (PMID: 15714081, 22026581, 25824098). It has also been observed to segregate with disease in related individuals. This variant is also known as p.His182Arg and c.557C>A (p.His186Arg). ClinVar contains an entry for this variant (Variation ID: 862323). Invitae Evidence Modeling of protein sequence and biophysical properties (such as structural, functional, and spatial information, amino acid conservation, physicochemical variation, residue mobility, and thermodynamic stability) indicates that this missense variant is expected to disrupt MEN1 protein function with a positive predictive value of 95%. For these reasons, this variant has been classified as Pathogenic.

Women's Health and Genetics/Laboratory Corporation of America, LabCorp
Classification: Pathogenic for Multiple endocrine neoplasia, type 1. Last evaluated: 2023-04-20. Review status: criteria provided, single submitter. Criteria: LabCorp Variant Classification Summary - May 2015. Collection method: clinical testing. Allele origin: germline.
Comment: Variant summary: MEN1 c.542A>G (p.His181Arg) results in a non-conservative amino acid change to a highly conserved residue (HGMD) in the encoded protein sequence. Another missense variant affecting this residue (p.His181Asp) has been classified as likely pathogenic by a ClinVar submitter. Five of five in-silico tools predict a damaging effect of the variant on protein function, and a computational analysis suggests it affects a salt bridge interaction (Biancaniello_2022). The variant was absent in 251316 control chromosomes (gnomAD). c.542A>G has been reported in the literature in multiple individuals affected with Multiple Endocrine Neoplasia Type 1 (Klein_2005, Belar_2012, Circelli_2012). These data indicate that the variant is very likely to be associated with disease. Three submitters have provided clinical-significance assessments for this variant to ClinVar after 2014, and classified the variant as pathogenic/likely pathogenic. Based on the evidence outlined above, the variant was classified as pathogenic.

Ambry Genetics
Classification: Likely pathogenic for Hereditary cancer-predisposing syndrome. Last evaluated: 2022-04-27. Review status: criteria provided, single submitter. Criteria: Ambry Variant Classification Scheme 2023. Collection method: clinical testing. Allele origin: germline.
Comment: The p.H181R variant (also known as c.542A>G), located in coding exon 2 of the MEN1 gene, results from an A to G substitution at nucleotide position 542. The histidine at codon 181 is replaced by arginine, an amino acid with highly similar properties. This alteration has been reported in multiple individuals with a personal and/or family history that is consistent with or suspicious for MEN1-related disease (Klein RD et al. Genet Med, 2005 Feb;7:131-8; Belar O et al. Clin Endocrinol (Oxf), 2012 May;76:719-24; Circelli L et al. J Cell Mol Med, 2015 Jul;19:1735-41). This amino acid position is highly conserved in available vertebrate species. In addition, this alteration is predicted to be deleterious by in silico analysis. This variant is considered to be rare based on population cohorts in the Genome Aggregation Database (gnomAD). Based on the majority of available evidence to date, this variant is likely to be pathogenic.

GeneDx
Classification: Likely pathogenic. Last evaluated: 2019-08-02. Review status: criteria provided, single submitter. Criteria: GeneDx Variant Classification Process June 2021. Collection method: clinical testing. Allele origin: germline. Affected: yes.
Comment: Not observed in large population cohorts (Lek 2016); In silico analysis, which includes protein predictors and evolutionary conservation, supports a deleterious effect; MEN1 H181R, also known as H186R, has been published in individuals with multiple endocrine neoplasia type 1 in the literature, but nomenclature discrepancies limit the ability to confirm that this is the specific variant in the current individual (Klein 2005, Belar 2012, Circelli 2015); Also known as c.652A>G or c.557A>G, p.H186R; This variant is associated with the following publications: (PMID: 25824098, 22026581, 15714081)

Literature cited by the submitters: PubMed 15714081 (cited by 3 submitters); PubMed 22026581 (cited by 3 submitters); PubMed 25824098 (cited by 3 submitters); PubMed 35268848 (cited by Women's Health and Genetics/Laboratory Corporation of America, LabCorp).

NM_001370259.2(MEN1):c.542A>G (p.His181Arg)

Gene: MEN1 (menin 1; minus strand). Cytogenetic location: 11q13.1.
Variant type: single nucleotide variant.
Coding change: c.542A>G on transcript NM_001370259.2 (MANE Select); coding-DNA position 542, A replaced by G.
Protein change: p.His181Arg; replaces histidine 181 with arginine.
Molecular consequence: missense variant.
Genome position (GRCh38, 1-based): chr11:64,808,003, T>C on the plus strand (A>G on the coding strand, the complement: MEN1 is on the minus strand). VCF-style: chr11-64808003-T-C. GRCh37 (hg19) VCF-style: chr11-64575475-T-C.
Other names: c.557A>G, p.His186Arg (NM_000244.4, NM_130800.3, NM_130801.3 and 3 more transcripts); c.542A>G, p.His181Arg (NM_001370251.2, NM_001370260.2, NM_001370261.2 and 3 more transcripts); short protein forms H181R, H186R.
Identifiers: ClinVar variation 862323 (VCV000862323.15), dbSNP rs1941861451, ClinGen allele CA381185855.